The following is an entry in ClinVar:

NM_000506.5(F2):c.1281C>T (p.Gly427=)

Gene: F2 (coagulation factor II, thrombin; plus strand). Cytogenetic location: 11p11.2.
Variant type: single nucleotide variant.
Coding change: c.1281C>T on transcript NM_000506.5 (MANE Select); coding-DNA position 1281, C replaced by T.
Protein change: p.Gly427=; no amino-acid change (glycine 427 retained).
Molecular consequence: synonymous variant.
Genome position (GRCh38, 1-based): chr11:46,728,146, C>T. VCF-style: chr11-46728146-C-T. GRCh37 (hg19) VCF-style: chr11-46749696-C-T.
Identifiers: ClinVar variation 4810686 (VCV004810686.1).

ClinVar aggregate classification (germline): Uncertain significance (1 of 4 stars; one submission).

Conditions:
Congenital prothrombin deficiency. Also called: Factor II deficiency; Inherited hypoprothrombinemia; Congenital factor II deficiency; Inherited prothrombin deficiency; Hereditary factor II deficiency disease; HYPOPROTHROMBINEMIA. Identifiers: Orphanet 325, MedGen C0272317, MONDO:0013361, OMIM 613679.

Submission:

Labcorp Genetics (formerly Invitae), Labcorp
Classification: Uncertain significance for Congenital prothrombin deficiency. Last evaluated: 2025-03-10. Review status: criteria provided, single submitter. Criteria: Invitae Variant Classification Sherloc (09022015). Collection method: clinical testing. Allele origin: germline.
Comment: This sequence change affects codon 427 of the F2 mRNA. It is a 'silent' change, meaning that it does not change the encoded amino acid sequence of the F2 protein. This variant is not present in population databases (gnomAD no frequency). This variant has not been reported in the literature in individuals affected with F2-related conditions. Algorithms developed to predict the effect of sequence changes on RNA splicing suggest that this variant may disrupt the consensus splice site. In summary, the available evidence is currently insufficient to determine the role of this variant in disease. Therefore, it has been classified as a Variant of Uncertain Significance.